The following is an entry in ClinVar:

ClinVar aggregate classification (germline): Likely pathogenic (1 of 4 stars; one submission).

Conditions:
Progressive familial intrahepatic cholestasis type 2. Identifiers: Orphanet 79304, MedGen C3489789, MONDO:0011156, OMIM 601847.

Submission:

Natera, Inc.
Classification: Likely pathogenic for Progressive familial intrahepatic cholestasis type 2. Last evaluated: 2025-11-17. Review status: criteria provided, single submitter. Criteria: Natera Variant Classification Schema (03/2026). Collection method: clinical testing. Allele origin: germline.
Comment: The c.1197+1del variant in ABCB11 is a canonical splice donor site variant predicted to affect pre-mRNA splicing, which may result in an abnormal transcript and altered protein product. This variant is expected to result in nonsense mediated decay, truncation, or a dysfunctional protein product. This variant is rare in the general population with a frequency below the threshold expected for the associated phenotype(s). Given the available evidence, this variant is classified as Likely Pathogenic.

NM_003742.4(ABCB11):c.1197+1del

Gene: ABCB11 (ATP binding cassette subfamily B member 11; minus strand). Cytogenetic location: 2q31.1.
Variant type: Deletion.
Coding change: c.1197+1del on transcript NM_003742.4 (MANE Select); the canonical splice donor site of the intron after coding-DNA position 1197, one base deleted (G; older notation c.1197+1delG).
Molecular consequence: splice donor variant.
Genome position (GRCh38, 1-based): chr2:168,979,865, C deleted on the plus strand (G on the coding strand, the reverse complement: ABCB11 is on the minus strand); the first of 3 consecutive C bases (chr2:168,979,865-168,979,867); deleting any one gives the same sequence. VCF-style (leftmost placement, unchanged base first): chr2-168979864-AC-A. GRCh37 (hg19) VCF-style: chr2-169836374-AC-A.
Identifiers: ClinVar variation 4815257 (VCV004815257.1).